The following is an entry in ClinVar:

NM_022455.5(NSD1):c.2892_2914dup (p.Thr972fs)

Gene: NSD1 (nuclear receptor binding SET domain protein 1; plus strand). Cytogenetic location: 5q35.3.
Variant type: Duplication.
Coding change: c.2892_2914dup on transcript NM_022455.5 (MANE Select); coding-DNA positions 2892 to 2914, 23 bases duplicated (TTCAGAGAAAAAGGGAGATGGCA).
Protein change: p.Thr972fs; shifts the reading frame from threonine 972.
Molecular consequence: frameshift variant.
Genome position (GRCh38, 1-based): chr5:177,211,291-177,211,313, TTCAGAGAAAAAGGGAGATGGCA duplicated; duplicating any 23 consecutive bases within chr5:177,211,290-177,211,313 gives the same sequence; the c. name uses the placement nearest the transcript's 3' end. VCF-style (leftmost placement, unchanged base first): chr5-177211289-A-AATTCAGAGAAAAAGGGAGATGGC. GRCh37 (hg19) VCF-style: chr5-176638290-A-AATTCAGAGAAAAAGGGAGATGGC.
Other names: c.2892_2914dupTTCAGAGAAAAAGGGAGATGGCA (NM_022455.4); c.2019_2041dup, p.Thr681Ilefs (NM_001365684.2, NM_001409306.1, NM_001409307.1 and 3 more transcripts); c.2892_2914dup, p.Thr972Ilefs (NM_001409301.1, NM_001409302.1, NM_001409303.1); c.2472_2494dup, p.Thr832Ilefs (NM_001409304.1); c.2139_2161dup, p.Thr721Ilefs (NM_001409305.1); short protein forms T703fs, T972fs.
Identifiers: ClinVar variation 452786 (VCV000452786.2), dbSNP rs1554189871, ClinGen allele CA658655918.
Genomic context (GRCh38, chr5:177,211,289, plus strand): 5'-TGTTCTACTAATAGTCCTGTAGGAGTCTCTAAGGTTTTGGTTTCAGGAGGCTCCACACAC[A>AATTCAGAGAAAAAGGGAGATGGC]ATTCAGAGAAAAAGGGAGATGGCACTCAGAACTCCGCCAATCCTAGCCCTAGTGGGGGTG-3'

ClinVar aggregate classification (germline): Pathogenic (1 of 4 stars; one submission).

Submission:

GeneDx
Classification: Pathogenic. Last evaluated: 2017-10-18. Review status: criteria provided, single submitter. Criteria: GeneDx Variant Classification (06012015). Collection method: clinical testing. Allele origin: germline. Affected: yes.
Comment: The c.2892_2914dup23 pathogenic variant in the NSD1 gene causes a frameshift starting with codon Threonine 972, changes this amino acid to an Isoleucine residue and creates a premature Stop codon at position 76 of the new reading frame, denoted p.Thr972IlefsX76. This pathogenic variant is predicted to cause loss of normal protein function either through protein truncation or nonsense-mediated mRNA decay. The c.2892_2914dup23 variant is not observed in large population cohorts (Lek et al., 2016).